The following is an entry in ClinVar:

NM_004260.4(RECQL4):c.910C>G (p.Gln304Glu)

Gene: RECQL4 (RecQ like helicase 4; minus strand). Cytogenetic location: 8q24.3.
Variant type: single nucleotide variant.
Coding change: c.910C>G on transcript NM_004260.4 (MANE Select); coding-DNA position 910, C replaced by G.
Protein change: p.Gln304Glu; replaces glutamine 304 with glutamic acid.
Molecular consequence: missense variant.
Genome position (GRCh38, 1-based): chr8:144,516,209, G>C on the plus strand (C>G on the coding strand, the complement: RECQL4 is on the minus strand). VCF-style: chr8-144516209-G-C. GRCh37 (hg19) VCF-style: chr8-145741593-G-C.
Other names: c.910C>G, p.Gln304Glu (NM_001413017.1, NM_001413018.1, NM_001413019.1 and 4 more transcripts); c.-162C>G (NM_001413021.1, NM_001413022.1, NM_001413023.1 and 7 more transcripts); c.781C>G, p.Gln261Glu (NM_001413025.1); c.-224C>G (NM_001413027.1, NM_001413030.1, NM_001413031.1 and 2 more transcripts); c.559C>G, p.Gln187Glu (NM_001413029.1); c.-66C>G (NM_001413034.1); c.-431C>G (NM_001413043.1); short protein forms Q187E, Q304E, Q261E.
Identifiers: ClinVar variation 2176112 (VCV002176112.4), dbSNP rs934534826, ClinGen allele CA372688680.

ClinVar aggregate classification (germline): Uncertain significance (1 of 4 stars; one submission).

Conditions:
Baller-Gerold syndrome (BGS). Also called: CRANIOSYNOSTOSIS WITH RADIAL DEFECTS. Identifiers: Orphanet 1225, MedGen C0265308, MONDO:0009039, OMIM 218600.

Submission:

Labcorp Genetics (formerly Invitae), Labcorp
Classification: Uncertain significance for Baller-Gerold syndrome. Last evaluated: 2022-04-22. Review status: criteria provided, single submitter. Criteria: Invitae Variant Classification Sherloc (09022015). Collection method: clinical testing. Allele origin: germline.
Comment: This sequence change replaces glutamine, which is neutral and polar, with glutamic acid, which is acidic and polar, at codon 304 of the RECQL4 protein (p.Gln304Glu). This variant is not present in population databases (gnomAD no frequency). In summary, the available evidence is currently insufficient to determine the role of this variant in disease. Therefore, it has been classified as a Variant of Uncertain Significance. This variant has not been reported in the literature in individuals affected with RECQL4-related conditions.